The following is an entry in ClinVar:

ClinVar aggregate classification (germline): Uncertain significance (1 of 4 stars; one submission).

Allele frequency attached by ClinVar (database versions not stated): ExAC 0.00001; gnomAD 0.00001; TOPMed 0.00002; gnomAD exomes 0.00004.
gnomAD v4.1: 53 of 1,613,864 alleles (0.0033%); highest among the groups gnomAD compares: Non-Finnish European, 0.0041%; no homozygotes.

Submission:

Labcorp Genetics (formerly Invitae), Labcorp
Classification: Uncertain significance. Last evaluated: 2024-02-26. Review status: criteria provided, single submitter. Criteria: Invitae Variant Classification Sherloc (09022015). Collection method: clinical testing. Allele origin: germline.
Comment: This sequence change replaces isoleucine, which is neutral and non-polar, with methionine, which is neutral and non-polar, at codon 1587 of the SCN3A protein (p.Ile1587Met). This variant is present in population databases (rs573641796, gnomAD 0.009%). This variant has not been reported in the literature in individuals affected with SCN3A-related conditions. ClinVar contains an entry for this variant (Variation ID: 2083883). Advanced modeling of protein sequence and biophysical properties (such as structural, functional, and spatial information, amino acid conservation, physicochemical variation, residue mobility, and thermodynamic stability) has been performed at Invitae for this missense variant, however the output from this modeling did not meet the statistical confidence thresholds required to predict the impact of this variant on SCN3A protein function. In summary, the available evidence is currently insufficient to determine the role of this variant in disease. Therefore, it has been classified as a Variant of Uncertain Significance.

NM_006922.4(SCN3A):c.4761A>G (p.Ile1587Met)

Gene: SCN3A (sodium voltage-gated channel alpha subunit 3; minus strand). Cytogenetic location: 2q24.3.
Variant type: single nucleotide variant.
Coding change: c.4761A>G on transcript NM_006922.4 (MANE Select); coding-DNA position 4761, A replaced by G.
Protein change: p.Ile1587Met; replaces isoleucine 1587 with methionine.
Molecular consequence: missense variant.
Genome position (GRCh38, 1-based): chr2:165,092,300, T>C on the plus strand (A>G on the coding strand, the complement: SCN3A is on the minus strand). VCF-style: chr2-165092300-T-C. GRCh37 (hg19) VCF-style: chr2-165948810-T-C.
Other names: c.4614A>G, p.Ile1538Met (NM_001081676.2, NM_001081677.2); short protein forms I1538M, I1587M.
Identifiers: ClinVar variation 2083883 (VCV002083883.4), dbSNP rs573641796, ClinGen allele CA1938511.